The following is an entry in ClinVar:

ClinVar aggregate classification (germline): Uncertain significance. Review status: criteria provided, multiple submitters, no conflicts (2 of 4 stars). 2 submissions from 2 submitters: Uncertain significance (2). Last evaluated 2022-03-13.

Conditions:
Autosomal dominant nonsyndromic hearing loss 1. Also called: KONIGSMARK SYNDROME; DEAFNESS, AUTOSOMAL DOMINANT 1, WITH OR WITHOUT THROMBOCYTOPENIA. Identifiers: Orphanet 90635, MedGen C1852282, MONDO:0007424, OMIM 124900.
Progressive microcephaly-seizures-cortical blindness-developmental delay syndrome. Also called: Seizures, cortical blindness, and microcephaly syndrome. Identifiers: Orphanet 477814, MedGen C5567650, MONDO:0014714, OMIM 616632.

Submissions (2):

Labcorp Genetics (formerly Invitae), Labcorp
Classification: Uncertain significance for Progressive microcephaly-seizures-cortical blindness-developmental delay syndrome; Autosomal dominant nonsyndromic hearing loss 1. Last evaluated: 2022-03-13. Review status: criteria provided, single submitter. Criteria: Invitae Variant Classification Sherloc (09022015). Collection method: clinical testing. Allele origin: germline.
Comment: In summary, the available evidence is currently insufficient to determine the role of this variant in disease. Therefore, it has been classified as a Variant of Uncertain Significance. Algorithms developed to predict the effect of missense changes on protein structure and function are either unavailable or do not agree on the potential impact of this missense change (SIFT: "Deleterious"; PolyPhen-2: "Probably Damaging"; Align-GVGD: "Class C0"). ClinVar contains an entry for this variant (Variation ID: 542363). This variant has not been reported in the literature in individuals affected with DIAPH1-related conditions. This variant is not present in population databases (gnomAD no frequency). This sequence change replaces arginine, which is basic and polar, with cysteine, which is neutral and slightly polar, at codon 868 of the DIAPH1 protein (p.Arg868Cys).

Baylor Genetics
Classification: Uncertain significance for Autosomal dominant nonsyndromic hearing loss 1. Last evaluated: 2018-02-13. Review status: criteria provided, single submitter. Criteria: ACMG Guidelines, 2015. Collection method: clinical testing. Allele origin: maternal. Affected: yes.
Comment: This variant was determined to be of uncertain significance according to ACMG Guidelines, 2015 [PMID:25741868].

NM_005219.5(DIAPH1):c.2602C>T (p.Arg868Cys)

Gene: DIAPH1 (diaphanous related formin 1; minus strand). Cytogenetic location: 5q31.3.
Variant type: single nucleotide variant.
Coding change: c.2602C>T on transcript NM_005219.5 (MANE Select); coding-DNA position 2602, C replaced by T.
Protein change: p.Arg868Cys; replaces arginine 868 with cysteine.
Molecular consequence: missense variant.
Genome position (GRCh38, 1-based): chr5:141,529,677, G>A on the plus strand (C>T on the coding strand, the complement: DIAPH1 is on the minus strand). VCF-style: chr5-141529677-G-A. GRCh37 (hg19) VCF-style: chr5-140909244-G-A.
Other names: c.2575C>T, p.Arg859Cys (NM_001079812.3); c.2602C>T, p.Arg868Cys (NM_001314007.2); short protein forms R868C, R859C.
Identifiers: ClinVar variation 542363 (VCV000542363.7), dbSNP rs1554201531, ClinGen allele CA361586587.